The following is an entry in ClinVar:

NM_001371928.1(AHDC1):c.2794A>C (p.Thr932Pro)

Gene: AHDC1 (AT-hook DNA binding motif containing 1; minus strand). Cytogenetic location: 1p36.11.
Variant type: single nucleotide variant.
Coding change: c.2794A>C on transcript NM_001371928.1 (MANE Select); coding-DNA position 2794, A replaced by C.
Protein change: p.Thr932Pro; replaces threonine 932 with proline.
Molecular consequence: missense variant.
Genome position (GRCh38, 1-based): chr1:27,549,322, T>G on the plus strand (A>C on the coding strand, the complement: AHDC1 is on the minus strand). VCF-style: chr1-27549322-T-G. GRCh37 (hg19) VCF-style: chr1-27875833-T-G.
Other names: c.2794A>C, p.Thr932Pro (NM_001029882.3); short protein forms T932P.
Identifiers: ClinVar variation 5033360 (VCV005033360.1).

ClinVar aggregate classification (germline): Uncertain significance (1 of 4 stars; one submission).

Conditions:
Inborn genetic diseases. Identifiers: MedGen C0950123, MeSH D030342.

gnomAD v4.1: 2 of 1,609,486 alleles (0.00012%); highest among the groups gnomAD compares: Non-Finnish European, 0.00017%; no homozygotes.

Submission:

Ambry Genetics
Classification: Uncertain significance for Inborn genetic diseases. Last evaluated: 2026-06-17. Review status: criteria provided, single submitter. Criteria: Ambry Variant Classification Scheme 2023. Collection method: clinical testing. Allele origin: germline.
Comment: The c.2794A>C (p.T932P) alteration is located in exon 6 (coding exon 1) of the AHDC1 gene. This alteration results from a A to C substitution at nucleotide position 2794, causing the threonine (T) at amino acid position 932 to be replaced by a proline (P). Based on data from gnomAD, the C allele has an overall frequency of <0.001% (0/249638) total alleles studied. The highest observed frequency was <0.001% (/) of alleles. Based on insufficient or conflicting evidence, the clinical significance of this alteration remains unclear.